The following is an entry in ClinVar:

ClinVar aggregate classification (germline): Pathogenic. Review status: criteria provided, multiple submitters, no conflicts (2 of 4 stars). 3 submissions from 3 submitters: Pathogenic (2). 1 of the submissions does not count toward it. Last evaluated 2025-04-14.

Conditions:
GRN-related frontotemporal lobar degeneration with Tdp43 inclusions (FTD2). Also called: FRONTOTEMPORAL DEMENTIA WITH TDP43 INCLUSIONS, GRN-RELATED; GRN Frontotemporal Dementia; DEMENTIA, HEREDITARY DYSPHASIC DISINHIBITION; FRONTOTEMPORAL LOBAR DEGENERATION WITH UBIQUITIN-POSITIVE INCLUSIONS; FTLD-TDP, GRN-RELATED. Identifiers: Orphanet 100070, Orphanet 282, MedGen C1843792, MONDO:0011842, OMIM 607485. Disease mechanism: loss of function.
Neuronal ceroid lipofuscinosis 11. Also called: GRN-Related Neuronal Ceroid-Lipofuscinosis. Identifiers: Orphanet 314629, Orphanet 79262, MedGen C3539123, MONDO:0013866, OMIM 614706.

Submissions (3):

GeneDx
Classification: Pathogenic. Last evaluated: 2025-04-14. Review status: criteria provided, single submitter. Criteria: GeneDx Variant Classification Process June 2021. Collection method: clinical testing. Allele origin: germline.
Comment: Frameshift variant predicted to result in protein truncation or nonsense mediated decay in a gene for which loss of function is a known mechanism of disease; Not observed at significant frequency in large population cohorts (gnomAD); This variant is associated with the following publications: (PMID: 17436289, 24814951, 30599136, 26021560, 21695656, 28153380, 33016921, 27814992)

Labcorp Genetics (formerly Invitae), Labcorp
Classification: Pathogenic for Neuronal ceroid lipofuscinosis 11; GRN-related frontotemporal lobar degeneration with Tdp43 inclusions. Last evaluated: 2022-04-20. Review status: criteria provided, single submitter. Criteria: Invitae Variant Classification Sherloc (09022015). Collection method: clinical testing. Allele origin: germline.
Comment: For these reasons, this variant has been classified as Pathogenic. ClinVar contains an entry for this variant (Variation ID: 98142). This premature translational stop signal has been observed in individual(s) with GRN-related conditions (PMID: 17436289, 21695656, 24814951, 33016921). This variant is not present in population databases (gnomAD no frequency). This sequence change creates a premature translational stop signal (p.Cys157Lysfs*97) in the GRN gene. It is expected to result in an absent or disrupted protein product. Loss-of-function variants in GRN are known to be pathogenic (PMID: 16862116, 16950801, 22608501).

VIB  Department of Molecular Genetics, University of Antwerp
No classification provided. Review status: no classification provided. Collection method: not provided. Allele origin: not provided. Not counted in ClinVar's aggregate classification.

Literature cited by the submitters: PubMed 17436289 (cited by Labcorp Genetics (formerly Invitae), Labcorp); PubMed 21695656 (cited by Labcorp Genetics (formerly Invitae), Labcorp); PubMed 24814951 (cited by Labcorp Genetics (formerly Invitae), Labcorp); PubMed 33016921 (cited by Labcorp Genetics (formerly Invitae), Labcorp); PubMed 16862116 (cited by Labcorp Genetics (formerly Invitae), Labcorp); PubMed 16950801 (cited by Labcorp Genetics (formerly Invitae), Labcorp); PubMed 22608501 (cited by Labcorp Genetics (formerly Invitae), Labcorp).

NM_002087.4(GRN):c.468_474del (p.Cys157fs)

Gene: GRN (granulin precursor; plus strand). Cytogenetic location: 17q21.31.
Variant type: Deletion.
Coding change: c.468_474del on transcript NM_002087.4 (MANE Select); coding-DNA positions 468 to 474, 7 bases deleted (CTGCTGT; older notation c.468_474delCTGCTGT).
Protein change: p.Cys157fs; shifts the reading frame from cysteine 157.
Molecular consequence: frameshift variant.
Genome position (GRCh38, 1-based): chr17:44,350,447-44,350,453, CTGCTGT deleted. VCF-style (leftmost placement, unchanged base first): chr17-44350446-CCTGCTGT-C. GRCh37 (hg19) VCF-style: chr17-42427814-CCTGCTGT-C.
Other names: c.468_474del (NM_002087.2); short protein forms C157fs.
Identifiers: ClinVar variation 98142 (VCV000098142.7), dbSNP rs63750247, ClinGen allele CA225250.